The following is an entry in ClinVar:

NM_005896.4(IDH1):c.1169A>G (p.Asp390Gly)

Gene: IDH1 (isocitrate dehydrogenase (NADP(+)) 1; minus strand). Cytogenetic location: 2q34.
Variant type: single nucleotide variant.
Coding change: c.1169A>G on transcript NM_005896.4 (MANE Select); coding-DNA position 1169, A replaced by G.
Protein change: p.Asp390Gly; replaces aspartic acid 390 with glycine.
Molecular consequence: missense variant.
Genome position (GRCh38, 1-based): chr2:208,237,155, T>C on the plus strand (A>G on the coding strand, the complement: IDH1 is on the minus strand). VCF-style: chr2-208237155-T-C. GRCh37 (hg19) VCF-style: chr2-209101879-T-C.
Other names: c.1169A>G, p.Asp390Gly (NM_001282386.1, NM_001282387.1); short protein forms D390G.
Identifiers: ClinVar variation 3527523 (VCV003527523.1).

ClinVar aggregate classification (germline): Uncertain significance (1 of 4 stars; one submission).

Submission:

Ambry Genetics
Classification: Uncertain significance. Last evaluated: 2024-11-17. Review status: criteria provided, single submitter. Criteria: Ambry Variant Classification Scheme 2023. Collection method: clinical testing. Allele origin: germline.
Comment: The p.D390G variant (also known as c.1169A>G), located in coding exon 8 of the IDH1 gene, results from an A to G substitution at nucleotide position 1169. The aspartic acid at codon 390 is replaced by glycine, an amino acid with similar properties. This amino acid position is conserved. In addition, this alteration is predicted to be deleterious by in silico analysis. Based on the available evidence, the clinical significance of this variant remains unclear.